The following is an entry in ClinVar:

ClinVar aggregate classification (germline): Conflicting classifications of pathogenicity. Review status: criteria provided, conflicting classifications (1 of 4 stars). 4 submissions from 4 submitters: Uncertain significance (3); Benign (1). Last evaluated 2025-12-10.

Conditions:
Hereditary cancer-predisposing syndrome. Also called: Tumor predisposition; Neoplastic Syndromes, Hereditary; Hereditary Cancer Syndrome; Hereditary neoplastic syndrome. Identifiers: Orphanet 140162, MedGen C0027672, MeSH D009386, MONDO:0015356.
Tuberous sclerosis 2 (TSC2). Identifiers: Orphanet 805, MedGen C1860707, MONDO:0013199, OMIM 613254.

Allele frequency attached by ClinVar (database versions not stated): TOPMed below 0.00001; gnomAD 0.00001.
gnomAD v4.1: 4 of 1,613,712 alleles (0.00025%); highest among the groups gnomAD compares: East Asian, 0.0022%; no homozygotes.

Submissions (4):

Labcorp Genetics (formerly Invitae), Labcorp
Classification: Benign for Tuberous sclerosis 2. Last evaluated: 2025-12-10. Review status: criteria provided, single submitter. Criteria: Invitae Variant Classification Sherloc (09022015). Collection method: clinical testing. Allele origin: germline.

Ambry Genetics
Classification: Uncertain significance for Hereditary cancer-predisposing syndrome. Last evaluated: 2024-06-21. Review status: criteria provided, single submitter. Criteria: Ambry Variant Classification Scheme 2023. Collection method: clinical testing. Allele origin: germline.
Comment: The p.A552T variant (also known as c.1654G>A), located in coding exon 15 of the TSC2 gene, results from a G to A substitution at nucleotide position 1654. The alanine at codon 552 is replaced by threonine, an amino acid with similar properties. This amino acid position is not well conserved in available vertebrate species. In addition, the in silico prediction for this alteration is inconclusive. Based on the available evidence, the clinical significance of this variant remains unclear.

Genome-Nilou Lab
Classification: Uncertain significance for Tuberous sclerosis 2. Last evaluated: 2021-11-07. Review status: criteria provided, single submitter. Criteria: ACMG Guidelines, 2015. Collection method: clinical testing. Allele origin: germline. Affected: no.

Mayo Clinic Laboratories, Mayo Clinic
Classification: Uncertain significance. Last evaluated: 2019-06-04. Review status: criteria provided, single submitter. Criteria: ACMG Guidelines, 2015. Collection method: clinical testing. Allele origin: germline. Observed: 1 variant allele.

NM_000548.5(TSC2):c.1654G>A (p.Ala552Thr)

Gene: TSC2 (TSC complex subunit 2; plus strand). Cytogenetic location: 16p13.3.
Variant type: single nucleotide variant.
Coding change: c.1654G>A on transcript NM_000548.5 (MANE Select); coding-DNA position 1654, G replaced by A.
Protein change: p.Ala552Thr; replaces alanine 552 with threonine.
Molecular consequence: missense variant.
Genome position (GRCh38, 1-based): chr16:2,065,573, G>A. VCF-style: chr16-2065573-G-A. GRCh37 (hg19) VCF-style: chr16-2115574-G-A.
Other names: c.1654G>A, p.Ala552Thr (NM_001077183.3, NM_001114382.3, NM_001363528.2 and 3 more transcripts); c.1543G>A, p.Ala515Thr (NM_001318827.2); c.1507G>A, p.Ala503Thr (NM_001318829.2); c.1054G>A, p.Ala352Thr (NM_001318831.2); c.1687G>A, p.Ala563Thr (NM_001318832.2); short protein forms A552T, A563T, A352T, A503T, A515T.
Identifiers: ClinVar variation 486688 (VCV000486688.21), dbSNP rs777121421, ClinGen allele CA394268001.
Genomic context (GRCh38, chr16:2,065,573, plus strand): 5'-TCAAAGGTGATGGCCCGCTCCCTCTCCCCACCCCCGGAGCTGGAAGAAAGGGATGTGGCC[G>A]CATACTCGGCCTCCTTGGAGGATGTGAAGACAGCCGTCCTGGGGCTTCTGGTCATCCTTC-3'
Protein context (NP_000539.2, residues 542-562): PPELEERDVA[Ala552Thr]YSASLEDVKT